The following is an entry in ClinVar:

NM_001649.4(SHROOM2):c.2694G>A (p.Ala898=)

Gene: SHROOM2 (shroom family member 2; plus strand). Cytogenetic location: Xp22.2.
Variant type: single nucleotide variant.
Coding change: c.2694G>A on transcript NM_001649.4 (MANE Select); coding-DNA position 2694, G replaced by A.
Protein change: p.Ala898=; no amino-acid change (alanine 898 retained).
Molecular consequence: synonymous variant.
Genome position (GRCh38, 1-based): chrX:9,896,602, G>A. VCF-style: chrX-9896602-G-A. GRCh37 (hg19) VCF-style: chrX-9864642-G-A.
Identifiers: ClinVar variation 3053176 (VCV003053176.2), dbSNP rs1009433101, ClinGen allele CA326585398.

ClinVar aggregate classification (germline): Likely benign (0 of 4 stars; one submission).

Conditions:
SHROOM2-related disorder. Also called: SHROOM2-related condition.

Allele frequency attached by ClinVar (database versions not stated): gnomAD 0.00005; TOPMed 0.00009.
gnomAD v4.1: 20 of 1,208,946 alleles (0.0017%); highest among the groups gnomAD compares: African/African-American, 0.019%; no homozygotes.

Submission:

PreventionGenetics, part of Exact Sciences
Classification: Likely benign for SHROOM2-related condition. Last evaluated: 2019-08-13. Review status: no assertion criteria provided. Collection method: clinical testing. Allele origin: germline.
Comment: This variant is classified as likely benign based on ACMG/AMP sequence variant interpretation guidelines (Richards et al. 2015 PMID: 25741868, with internal and published modifications).